The following is an entry in ClinVar:

NM_000297.4(PKD2):c.2548G>T (p.Glu850Ter)

Gene: PKD2 (polycystin 2, transient receptor potential cation channel; plus strand). Cytogenetic location: 4q22.1.
Variant type: single nucleotide variant.
Coding change: c.2548G>T on transcript NM_000297.4 (MANE Select); coding-DNA position 2548, G replaced by T.
Protein change: p.Glu850Ter; replaces glutamic acid 850 with a stop codon.
Molecular consequence: nonsense. On other transcripts: non-coding transcript variant (1).
Genome position (GRCh38, 1-based): chr4:88,074,837, G>T. VCF-style: chr4-88074837-G-T. GRCh37 (hg19) VCF-style: chr4-88995989-G-T.
Other names: c.2323G>T, p.Glu775Ter (NM_001440544.1); short protein forms E775*, E850*.
Identifiers: ClinVar variation 4997774 (VCV004997774.1).

ClinVar aggregate classification (germline): Pathogenic (1 of 4 stars; one submission).

Conditions:
PKD2-related disorder. Also called: PKD2-related condition.

Submission:

PreventionGenetics, part of Exact Sciences
Classification: Pathogenic for PKD2-related condition. Last evaluated: 2025-06-14. Review status: criteria provided, single submitter. Criteria: ACMG Guidelines, 2015. Collection method: clinical testing. Allele origin: germline.
Comment: The PKD2 c.2548G>T variant is predicted to result in premature protein termination (p.Glu850*). This variant was reported in an individual with autosomal dominant polycystic kidney disease (ADPKD) (Table S5, Hwang et al. 2016. PubMed ID: 26453610). This variant has not been reported in a large population database (gnomAD), indicating this variant is rare. Nonsense variants in PKD2 are expected to be pathogenic. This variant is interpreted as pathogenic.